The following is an entry in ClinVar:

ClinVar aggregate classification (germline): Uncertain significance (1 of 4 stars; one submission).

Conditions:
Melnick-Fraser syndrome (BOR). Also called: Branchio-oto-renal syndrome; Branchiootorenal syndrome; Branchiootorenal Syndrome (BORS). Identifiers: Orphanet 107, MedGen C0265234, MONDO:0007029.

Submission:

Labcorp Genetics (formerly Invitae), Labcorp
Classification: Uncertain significance for Melnick-Fraser syndrome. Last evaluated: 2023-10-18. Review status: criteria provided, single submitter. Criteria: Invitae Variant Classification Sherloc (09022015). Collection method: clinical testing. Allele origin: germline.
Comment: This sequence change replaces lysine, which is basic and polar, with threonine, which is neutral and polar, at codon 43 of the EYA1 protein (p.Lys43Thr). This variant is not present in population databases (gnomAD no frequency). This variant has not been reported in the literature in individuals affected with EYA1-related conditions. Advanced modeling of protein sequence and biophysical properties (such as structural, functional, and spatial information, amino acid conservation, physicochemical variation, residue mobility, and thermodynamic stability) performed at Invitae indicates that this missense variant is not expected to disrupt EYA1 protein function. In summary, the available evidence is currently insufficient to determine the role of this variant in disease. Therefore, it has been classified as a Variant of Uncertain Significance.

NM_000503.6(EYA1):c.128A>C (p.Lys43Thr)

Gene: EYA1 (EYA transcriptional coactivator and phosphatase 1; minus strand). Cytogenetic location: 8q13.3.
Variant type: single nucleotide variant.
Coding change: c.128A>C on transcript NM_000503.6 (MANE Select); coding-DNA position 128, A replaced by C.
Protein change: p.Lys43Thr; replaces lysine 43 with threonine.
Molecular consequence: missense variant. On other transcripts: 5 prime UTR variant (1).
Genome position (GRCh38, 1-based): chr8:71,334,171, T>G on the plus strand (A>C on the coding strand, the complement: EYA1 is on the minus strand). VCF-style: chr8-71334171-T-G. GRCh37 (hg19) VCF-style: chr8-72246406-T-G.
Other names: c.128A>C, p.Lys43Thr (NM_001370335.1, NM_172058.4, NM_001288574.2 and 1 more transcripts); c.215A>C, p.Lys72Thr (NM_001370336.1, NM_172059.5, NM_001370333.1); c.29A>C, p.Lys10Thr (NM_001411797.1, NM_172060.4); c.-157A>C (NM_001288575.2); short protein forms K43T, K72T, K10T.
Identifiers: ClinVar variation 2972772 (VCV002972772.1), dbSNP rs1824212559, ClinGen allele CA371469360.